The following is an entry in ClinVar:

ClinVar aggregate classification (germline): Uncertain significance (1 of 4 stars; one submission).

Allele frequency attached by ClinVar (database versions not stated): gnomAD 0.00001; TOPMed 0.00001; gnomAD exomes below 0.00001; ExAC 0.00001.
gnomAD v4.1: 3 of 1,613,934 alleles (0.00019%); highest among the groups gnomAD compares: Non-Finnish European, 0.00025%; no homozygotes.

Submission:

Labcorp Genetics (formerly Invitae), Labcorp
Classification: Uncertain significance. Last evaluated: 2021-05-19. Review status: criteria provided, single submitter. Criteria: Invitae Variant Classification Sherloc (09022015). Collection method: clinical testing. Allele origin: germline.
Comment: In summary, the available evidence is currently insufficient to determine the role of this variant in disease. Therefore, it has been classified as a Variant of Uncertain Significance. Algorithms developed to predict the effect of missense changes on protein structure and function (SIFT, PolyPhen-2, Align-GVGD) all suggest that this variant is likely to be tolerated, but these predictions have not been confirmed by published functional studies and their clinical significance is uncertain. This variant has not been reported in the literature in individuals with PLOD3-related conditions. This variant is present in population databases (rs754765786, ExAC 0.001%). This sequence change replaces threonine with alanine at codon 174 of the PLOD3 protein (p.Thr174Ala). The threonine residue is weakly conserved and there is a small physicochemical difference between threonine and alanine.

NM_001084.5(PLOD3):c.520A>G (p.Thr174Ala)

Gene: PLOD3 (procollagen-lysine,2-oxoglutarate 5-dioxygenase 3; minus strand). Cytogenetic location: 7q22.1.
Variant type: single nucleotide variant.
Coding change: c.520A>G on transcript NM_001084.5 (MANE Select); coding-DNA position 520, A replaced by G.
Protein change: p.Thr174Ala; replaces threonine 174 with alanine.
Molecular consequence: missense variant.
Genome position (GRCh38, 1-based): chr7:101,216,003, T>C on the plus strand (A>G on the coding strand, the complement: PLOD3 is on the minus strand). VCF-style: chr7-101216003-T-C. GRCh37 (hg19) VCF-style: chr7-100859284-T-C.
Other names: short protein forms T174A.
Identifiers: ClinVar variation 1375903 (VCV001375903.6), dbSNP rs754765786, ClinGen allele CA4408158.